The following is an entry in ClinVar:

NM_000257.4(MYH7):c.3973-11C>A

Gene: MYH7 (myosin heavy chain 7; minus strand). Cytogenetic location: 14q11.2.
Variant type: single nucleotide variant.
Coding change: c.3973-11C>A on transcript NM_000257.4 (MANE Select); 11 bases into the intron before coding-DNA position 3973, C replaced by A.
Molecular consequence: intron variant.
Genome position (GRCh38, 1-based): chr14:23,418,417, G>T on the plus strand (C>A on the coding strand, the complement: MYH7 is on the minus strand). VCF-style: chr14-23418417-G-T. GRCh37 (hg19) VCF-style: chr14-23887626-G-T.
Other names: c.3973-11C>A (NM_001407004.1).
Identifiers: ClinVar variation 3069862 (VCV003069862.1), dbSNP rs2502257273, ClinGen allele CA2624228362.

ClinVar aggregate classification (germline): Uncertain significance (1 of 4 stars; one submission).

Conditions:
Cardiomyopathy (CMYO). Also called: Cardiomyopathies. Identifiers: Orphanet 167848, MedGen C0878544, MONDO:0004994, HP:0001638. Inheritance: Various modes of inheritance.

Allele frequency attached by ClinVar (database versions not stated): gnomAD exomes below 0.00001.

Submission:

All of Us Research Program, National Institutes of Health
Classification: Uncertain significance for Cardiomyopathy. Last evaluated: 2023-03-09. Review status: criteria provided, single submitter. Criteria: ACMG Guidelines, 2015. Collection method: clinical testing. Allele origin: germline. Inheritance: Autosomal dominant inheritance. Observed: 1 variant allele, 1 heterozygote.
Comment: This variant causes a C to A nucleotide substitution at the -11 position of intron 29 of the MYH7 gene. To our knowledge, functional studies have not been reported for this variant. This variant has not been reported in individuals affected with MYH7-related disorders in the literature. This variant has not been identified in the general population by the Genome Aggregation Database (gnomAD). The available evidence is insufficient to determine the role of this variant in disease conclusively. Therefore, this variant is classified as a Variant of Uncertain Significance.

This study involves interpretation of variants in research participants for the purpose of population health screening. Participant phenotype was not available at the time of variant classification. Additional details can be found in publication PMID: 35346344, PMCID: PMC8962531